The following is an entry in ClinVar:

ClinVar aggregate classification (germline): Uncertain significance. Review status: criteria provided, multiple submitters, no conflicts (2 of 4 stars). 2 submissions from 2 submitters: Uncertain significance (2). Last evaluated 2025-07-12.

Conditions:
Charcot-Marie-Tooth disease type 2. Also called: Charcot-Marie-Tooth type 2. Identifiers: Orphanet 64746, MedGen C0270914, MONDO:0018993.

Allele frequency attached by ClinVar (database versions not stated): ExAC 0.00001; TOPMed 0.00001; gnomAD 0.00001.
gnomAD v4.1: 8 of 1,614,084 alleles (0.0005%); highest among the groups gnomAD compares: African/African-American, 0.0053%; no homozygotes.

Submissions (2):

Ambry Genetics
Classification: Uncertain significance. Last evaluated: 2025-07-12. Review status: criteria provided, single submitter. Criteria: Ambry Variant Classification Scheme 2023. Collection method: clinical testing. Allele origin: germline.

Labcorp Genetics (formerly Invitae), Labcorp
Classification: Uncertain significance for Charcot-Marie-Tooth disease type 2. Last evaluated: 2022-12-22. Review status: criteria provided, single submitter. Criteria: Invitae Variant Classification Sherloc (09022015). Collection method: clinical testing. Allele origin: germline.
Comment: This sequence change replaces glutamic acid, which is acidic and polar, with aspartic acid, which is acidic and polar, at codon 825 of the KIF1B protein (p.Glu825Asp). In summary, the available evidence is currently insufficient to determine the role of this variant in disease. Therefore, it has been classified as a Variant of Uncertain Significance. Algorithms developed to predict the effect of missense changes on protein structure and function (SIFT, PolyPhen-2, Align-GVGD) all suggest that this variant is likely to be tolerated. ClinVar contains an entry for this variant (Variation ID: 1791824). This variant has not been reported in the literature in individuals affected with KIF1B-related conditions. This variant is present in population databases (rs764740446, gnomAD 0.01%).

NM_001365951.3(KIF1B):c.2613A>C (p.Glu871Asp)

Gene: KIF1B (kinesin family member 1B; plus strand). Cytogenetic location: 1p36.22.
Variant type: single nucleotide variant.
Coding change: c.2613A>C on transcript NM_001365951.3 (MANE Select); coding-DNA position 2613, A replaced by C.
Protein change: p.Glu871Asp; replaces glutamic acid 871 with aspartic acid.
Molecular consequence: missense variant.
Genome position (GRCh38, 1-based): chr1:10,324,833, A>C. VCF-style: chr1-10324833-A-C. GRCh37 (hg19) VCF-style: chr1-10384891-A-C.
Other names: c.2613A>C, p.Glu871Asp (NM_001365952.1); c.2475A>C, p.Glu825Asp (NM_015074.3); short protein forms E825D, E871D.
Identifiers: ClinVar variation 1791824 (VCV001791824.7), dbSNP rs764740446, ClinGen allele CA581569.